The following is an entry in ClinVar:

ClinVar aggregate classification (germline): Uncertain significance (1 of 4 stars; one submission).

Submission:

Labcorp Genetics (formerly Invitae), Labcorp
Classification: Uncertain significance. Last evaluated: 2024-05-23. Review status: criteria provided, single submitter. Criteria: Invitae Variant Classification Sherloc (09022015). Collection method: clinical testing. Allele origin: germline.
Comment: This sequence change replaces alanine, which is neutral and non-polar, with glycine, which is neutral and non-polar, at codon 373 of the PRKCSH protein (p.Ala373Gly). This variant is not present in population databases (gnomAD no frequency). This variant has not been reported in the literature in individuals affected with PRKCSH-related conditions. An algorithm developed to predict the effect of missense changes on protein structure and function (PolyPhen-2) suggests that this variant is likely to be tolerated. In summary, the available evidence is currently insufficient to determine the role of this variant in disease. Therefore, it has been classified as a Variant of Uncertain Significance.

NM_001289104.2(PRKCSH):c.1139C>G (p.Ala380Gly)

Gene: PRKCSH (PRKCSH beta subunit of glucosidase II; plus strand). Cytogenetic location: 19p13.2.
Variant type: single nucleotide variant.
Coding change: c.1139C>G on transcript NM_001289104.2 (MANE Select); coding-DNA position 1139, C replaced by G.
Protein change: p.Ala380Gly; replaces alanine 380 with glycine.
Molecular consequence: missense variant.
Genome position (GRCh38, 1-based): chr19:11,448,234, C>G. VCF-style: chr19-11448234-C-G. GRCh37 (hg19) VCF-style: chr19-11559049-C-G.
Other names: c.1109C>G, p.Ala370Gly (NM_001001329.3, NM_001289102.2, NM_001379609.1); c.1139C>G, p.Ala380Gly (NM_001289103.2); c.1118C>G, p.Ala373Gly (NM_001379608.1, NM_002743.3); short protein forms A373G, A370G, A380G.
Identifiers: ClinVar variation 3648690 (VCV003648690.2).